The following is an entry in ClinVar:

ClinVar aggregate classification (germline): Pathogenic/Likely pathogenic. Review status: criteria provided, multiple submitters, no conflicts (2 of 4 stars). 3 submissions from 3 submitters: Pathogenic (2); Likely pathogenic (1). Last evaluated 2025-06-13.

Conditions:
Methylmalonic aciduria, cblA type (MACA). Also called: Methylmalonic aciduria, vitamin b12-responsive, due to defect in synthesis of adenosylcobalamin, cbla complementation type; MMA cbl A type; Methylmalonic acidemia cblA type; Vitamin B12-responsive methylmalonic acidemia type cblA; Methylmalonic aciduria, vitamin B12-responsive. Identifiers: Orphanet 28, Orphanet 79310, MedGen C1855109, MONDO:0009613, OMIM 251100.

Submissions (3):

Natera, Inc.
Classification: Likely pathogenic for Methylmalonic aciduria cblA type. Last evaluated: 2025-06-13. Review status: criteria provided, single submitter. Criteria: Natera Variant Classification Schema (03/2026). Collection method: clinical testing. Allele origin: germline.
Comment: The c.820-1G>A variant in MMAA is a canonical splice acceptor site variant predicted to affect pre-mRNA splicing, which may result in an abnormal transcript and altered protein product. This variant is expected to result in nonsense mediated decay, truncation, or a dysfunctional protein product. This variant is rare in the general population with a frequency below the threshold expected for the associated phenotype(s). This variant has been observed in one or more individuals affected with the associated recessive disease, as either homozygous or compound heterozygous with a second variant (PMID: 28497574). Given the available evidence, this variant is classified as Likely Pathogenic.

Baylor Genetics
Classification: Pathogenic for Methylmalonic aciduria, cblA type. Last evaluated: 2023-01-22. Review status: criteria provided, single submitter. Criteria: ACMG Guidelines, 2015. Collection method: clinical testing. Allele origin: unknown.

University Children's Hospital, University of Zurich
Classification: Pathogenic for Methylmalonic aciduria, cblA type. Review status: criteria provided, single submitter. Criteria: ZB-IEM Variant Assertion Criteria. Collection method: clinical testing. Allele origin: germline. Affected: yes. Observed: 1 variant allele.

Literature cited by the submitters: PubMed 28497574 (cited by Natera, Inc.).

NM_172250.3(MMAA):c.820-1G>A

Gene: MMAA (metabolism of cobalamin associated A; plus strand). Cytogenetic location: 4q31.21.
Variant type: single nucleotide variant.
Coding change: c.820-1G>A on transcript NM_172250.3 (MANE Select); the canonical splice acceptor site of the intron before coding-DNA position 820, G replaced by A.
Molecular consequence: splice acceptor variant.
Genome position (GRCh38, 1-based): chr4:145,653,993, G>A. VCF-style: chr4-145653993-G-A. GRCh37 (hg19) VCF-style: chr4-146575145-G-A.
Other names: c.820-1G>A (NM_001375644.1).
Identifiers: ClinVar variation 440808 (VCV000440808.4), dbSNP rs1553959017, ClinGen allele CA358342233.